The following is an entry in ClinVar:

NM_003482.4(KMT2D):c.8426C>T (p.Pro2809Leu)

Gene: KMT2D (lysine methyltransferase 2D; minus strand). Cytogenetic location: 12q13.12.
Variant type: single nucleotide variant.
Coding change: c.8426C>T on transcript NM_003482.4 (MANE Select); coding-DNA position 8426, C replaced by T.
Protein change: p.Pro2809Leu; replaces proline 2809 with leucine.
Molecular consequence: missense variant.
Genome position (GRCh38, 1-based): chr12:49,038,930, G>A on the plus strand (C>T on the coding strand, the complement: KMT2D is on the minus strand). VCF-style: chr12-49038930-G-A. GRCh37 (hg19) VCF-style: chr12-49432713-G-A.
Other names: short protein forms P2809L.
Identifiers: ClinVar variation 5000887 (VCV005000887.1).

ClinVar aggregate classification (germline): Uncertain significance (1 of 4 stars; one submission).

Conditions:
KMT2D-related disorder. Also called: KMT2D-Related Disorders.

gnomAD v4.1: 3 of 1,551,634 alleles (0.00019%); highest among the groups gnomAD compares: Non-Finnish European, 0.00026%; no homozygotes.

Submission:

PreventionGenetics, part of Exact Sciences
Classification: Uncertain significance for KMT2D-related condition. Last evaluated: 2024-12-20. Review status: criteria provided, single submitter. Criteria: ACMG Guidelines, 2015. Collection method: clinical testing. Allele origin: germline.
Comment: The KMT2D c.8426C>T variant is predicted to result in the amino acid substitution p.Pro2809Leu. To our knowledge, this variant has not been reported in the literature or in a large population database (gnomAD), indicating this variant is rare. At this time, the clinical significance of this variant is uncertain due to the absence of conclusive functional and genetic evidence.